The following is an entry in ClinVar:

NM_020937.4(FANCM):c.4598A>C (p.Glu1533Ala)

Gene: FANCM (FA complementation group M; plus strand). Cytogenetic location: 14q21.2.
Variant type: single nucleotide variant.
Coding change: c.4598A>C on transcript NM_020937.4 (MANE Select); coding-DNA position 4598, A replaced by C.
Protein change: p.Glu1533Ala; replaces glutamic acid 1533 with alanine.
Molecular consequence: missense variant.
Genome position (GRCh38, 1-based): chr14:45,185,299, A>C. VCF-style: chr14-45185299-A-C. GRCh37 (hg19) VCF-style: chr14-45654502-A-C.
Other names: c.4520A>C, p.Glu1507Ala (NM_001308133.2); short protein forms E1533A, E1507A.
Identifiers: ClinVar variation 4022785 (VCV004022785.1).
Genomic context (GRCh38, chr14:45,185,299, plus strand): 5'-ATGATGAAGCAGAACTTTCTGAAGAAGATGCAGAATATGTTTCATCAGATGAAAATGATG[A>C]GTCAGAAAATGAACAAGATTCCTCATTACTTGACTTTTTAAATGATGAAACTCAACTTTC-3'
Protein context (NP_065988.1, residues 1523-1543): AEYVSSDEND[Glu1533Ala]SENEQDSSLL

ClinVar aggregate classification (germline): Uncertain significance (1 of 4 stars; one submission).

Conditions:
Inborn genetic diseases. Identifiers: MedGen C0950123, MeSH D030342.

Submission:

Ambry Genetics
Classification: Uncertain significance for Inborn genetic diseases. Last evaluated: 2025-05-16. Review status: criteria provided, single submitter. Criteria: Ambry Variant Classification Scheme 2023. Collection method: clinical testing. Allele origin: germline.
Comment: The p.E1533A variant (also known as c.4598A>C), located in coding exon 18 of the FANCM gene, results from an A to C substitution at nucleotide position 4598. The glutamic acid at codon 1533 is replaced by alanine, an amino acid with dissimilar properties. This amino acid position is conserved. In addition, this alteration is predicted to be tolerated by in silico analysis. Based on the available evidence, the clinical significance of this variant remains unclear.